The following is an entry in ClinVar:

ClinVar aggregate classification (germline): Uncertain significance (1 of 4 stars; one submission).

Allele frequency attached by ClinVar (database versions not stated): gnomAD 0.00001 and 0.00002; TOPMed 0.00002; ESP Exome Variant Server 0.00015.
gnomAD v4.1: 12 of 1,613,992 alleles (0.00074%); highest among the groups gnomAD compares: African/African-American, 0.0013%; no homozygotes.

Submission:

Labcorp Genetics (formerly Invitae), Labcorp
Classification: Uncertain significance. Last evaluated: 2020-01-20. Review status: criteria provided, single submitter. Criteria: Invitae Variant Classification Sherloc (09022015). Collection method: clinical testing. Allele origin: germline.
Comment: In summary, the available evidence is currently insufficient to determine the role of this variant in disease. Therefore, it has been classified as a Variant of Uncertain Significance. Algorithms developed to predict the effect of sequence changes on RNA splicing suggest that this variant may create or strengthen a splice site, but this prediction has not been confirmed by published transcriptional studies. Algorithms developed to predict the effect of missense changes on protein structure and function (SIFT, PolyPhen-2, Align-GVGD) all suggest that this variant is likely to be tolerated, but these predictions have not been confirmed by published functional studies and their clinical significance is uncertain. This variant has not been reported in the literature in individuals with VCAN-related conditions. This variant is present in population databases (rs141810277, ExAC 0.01%). This sequence change replaces aspartic acid with glycine at codon 2652 of the VCAN protein (p.Asp2652Gly). The aspartic acid residue is weakly conserved and there is a moderate physicochemical difference between aspartic acid and glycine.

NM_004385.5(VCAN):c.7955A>G (p.Asp2652Gly)

Genes: VCAN (versican; plus strand), VCAN-AS1 (VCAN antisense RNA 1; minus strand). Cytogenetic location: 5q14.3.
Variant type: single nucleotide variant.
Coding change: c.7955A>G on transcript NM_004385.5 (MANE Select); coding-DNA position 7955, A replaced by G.
Protein change: p.Asp2652Gly; replaces aspartic acid 2652 with glycine.
Molecular consequence: missense variant. On other transcripts: intron variant (2).
Genome position (GRCh38, 1-based): chr5:83,540,958, A>G. VCF-style: chr5-83540958-A-G. GRCh37 (hg19) VCF-style: chr5-82836777-A-G.
Other names: c.4994A>G, p.Asp1665Gly (NM_001164097.2); c.4004-4579A>G (NM_001164098.2); c.1043-4579A>G (NM_001126336.3); short protein forms D1665G, D2652G.
Identifiers: ClinVar variation 1056796 (VCV001056796.9), dbSNP rs141810277, ClinGen allele CA3333717.